The following is an entry in ClinVar:

NM_004370.6(COL12A1):c.8241A>G (p.Gly2747=)

Gene: COL12A1 (collagen type XII alpha 1 chain; minus strand). Cytogenetic location: 6q13.
Variant type: single nucleotide variant.
Coding change: c.8241A>G on transcript NM_004370.6 (MANE Select); coding-DNA position 8241, A replaced by G.
Protein change: p.Gly2747=; no amino-acid change (glycine 2747 retained).
Molecular consequence: synonymous variant.
Genome position (GRCh38, 1-based): chr6:75,105,230, T>C on the plus strand (A>G on the coding strand, the complement: COL12A1 is on the minus strand). VCF-style: chr6-75105230-T-C. GRCh37 (hg19) VCF-style: chr6-75814946-T-C.
Other names: p.Gly2747=; c.8241A>G, p.Gly2747= (NM_001424113.1); c.8220A>G, p.Gly2740= (NM_001424114.1); c.7968A>G, p.Gly2656= (NM_001424115.1); c.4749A>G, p.Gly1583= (NM_001424116.1, NM_080645.3).
Identifiers: ClinVar variation 4541183 (VCV004541183.1).

ClinVar aggregate classification (germline): Uncertain significance (1 of 4 stars; one submission).

Submission:

Mayo Clinic Laboratories, Mayo Clinic
Classification: Uncertain significance. Last evaluated: 2025-04-01. Review status: criteria provided, single submitter. Criteria: ACMG Guidelines, 2015. Collection method: clinical testing. Allele origin: germline. Observed: 1 variant allele.
Comment: PM2_supporting